The following is an entry in ClinVar:

ClinVar aggregate classification (germline): Benign/Likely benign. Review status: criteria provided, multiple submitters, no conflicts (2 of 4 stars). 5 submissions from 5 submitters: Benign (1); Likely benign (4). Last evaluated 2025-12-23.

Conditions:
Neurofibromatosis, type 2 (SWNV). Also called: BILATERAL ACOUSTIC NEUROFIBROMATOSIS; SCHWANNOMATOSIS, VESTIBULAR; NF2-Related Schwannomatosis. Identifiers: Orphanet 637, MedGen C0027832, MONDO:0007039, OMIM 101000. Disease mechanism: loss of function.
Hereditary cancer-predisposing syndrome. Also called: Tumor predisposition; Hereditary Cancer Syndrome; Hereditary neoplastic syndrome; Neoplastic Syndromes, Hereditary. Identifiers: Orphanet 140162, MedGen C0027672, MeSH D009386, MONDO:0015356.

Allele frequency attached by ClinVar (database versions not stated): ESP Exome Variant Server 0.00008.
gnomAD v4.1: 54 of 1,614,254 alleles (0.0033%); highest among the groups gnomAD compares: Non-Finnish European, 0.0046%; no homozygotes.

Submissions (5):

Labcorp Genetics (formerly Invitae), Labcorp
Classification: Likely benign for Neurofibromatosis, type 2. Last evaluated: 2025-12-23. Review status: criteria provided, single submitter. Criteria: Invitae Variant Classification Sherloc (09022015). Collection method: clinical testing. Allele origin: germline.

Women's Health and Genetics/Laboratory Corporation of America, LabCorp
Classification: Benign. Last evaluated: 2024-03-07. Review status: criteria provided, single submitter. Criteria: LabCorp Variant Classification Summary - May 2015. Collection method: clinical testing. Allele origin: germline.
Comment: Variant summary: NF2 c.252T>C alters a non-conserved nucleotide resulting in a synonymous change. Consensus agreement among computation tools predict no significant impact on normal splicing. However, these predictions have yet to be confirmed by functional studies. The variant allele was found at a frequency of 3.7e-05 in 1461884 control chromosomes. The observed variant frequency is approximately 2 fold of the estimated maximal expected allele frequency for a pathogenic variant in NF2 causing Neurofibromatosis Type 2 phenotype (1.9e-05), strongly suggesting that the variant is benign. To our knowledge, no occurrence of c.252T>C in individuals affected with Neurofibromatosis Type 2 and no experimental evidence demonstrating its impact on protein function have been reported. ClinVar contains an entry for this variant (Variation ID: 821440). Based on the evidence outlined above, the variant was classified as benign.

All of Us Research Program, National Institutes of Health
Classification: Likely benign for Neurofibromatosis, type 2. Last evaluated: 2023-10-27. Review status: criteria provided, single submitter. Criteria: ACMG Guidelines, 2015. Collection method: clinical testing. Allele origin: germline. Inheritance: Autosomal dominant inheritance. Observed: 6 variant alleles, 6 heterozygotes.
Comment: This study involves interpretation of variants in research participants for the purpose of population health screening. Participant phenotype was not available at the time of variant classification. Additional details can be found in publication PMID: 35346344, PMCID: PMC8962531

Color Diagnostics, LLC DBA Color Health
Classification: Likely benign for Neurofibromatosis, type 2. Last evaluated: 2022-03-04. Review status: criteria provided, single submitter. Criteria: ACMG Guidelines, 2015. Collection method: clinical testing. Allele origin: germline.

Ambry Genetics
Classification: Likely benign for Hereditary cancer-predisposing syndrome. Last evaluated: 2018-07-20. Review status: criteria provided, single submitter. Criteria: Ambry Variant Classification Scheme 2023. Collection method: clinical testing. Allele origin: germline.

NM_000268.4(NF2):c.252T>C (p.His84=)

Gene: NF2 (NF2, moesin-ezrin-radixin like (MERLIN) tumor suppressor; plus strand). Cytogenetic location: 22q12.2.
Variant type: single nucleotide variant.
Coding change: c.252T>C on transcript NM_000268.4 (MANE Select); coding-DNA position 252, T replaced by C.
Protein change: p.His84=; no amino-acid change (histidine 84 retained).
Molecular consequence: synonymous variant. On other transcripts: non-coding transcript variant (1), intron variant (3).
Genome position (GRCh38, 1-based): chr22:29,639,101, T>C. VCF-style: chr22-29639101-T-C. GRCh37 (hg19) VCF-style: chr22-30035090-T-C.
Other names: c.252T>C, p.His84= (NM_016418.5, NM_181825.3, NM_181832.3 and 1 more transcripts); c.126T>C, p.His42= (NM_181828.3); c.240+2225T>C (NM_181829.3); c.115-3101T>C (NM_181830.3, NM_181831.3).
Identifiers: ClinVar variation 821440 (VCV000821440.17), dbSNP rs374512699, ClinGen allele CA030430.